The following is an entry in ClinVar:

NM_001127453.2(GSDME):c.89A>G (p.Lys30Arg)

Gene: GSDME (gasdermin E; minus strand). Cytogenetic location: 7p15.3.
Variant type: single nucleotide variant.
Coding change: c.89A>G on transcript NM_001127453.2 (MANE Select); coding-DNA position 89, A replaced by G.
Protein change: p.Lys30Arg; replaces lysine 30 with arginine.
Molecular consequence: missense variant. On other transcripts: intron variant (1).
Genome position (GRCh38, 1-based): chr7:24,749,686, T>C on the plus strand (A>G on the coding strand, the complement: GSDME is on the minus strand). VCF-style: chr7-24749686-T-C. GRCh37 (hg19) VCF-style: chr7-24789305-T-C.
Other names: c.89A>G, p.Lys30Arg (NM_004403.3); c.-281-4932A>G (NM_001127454.2); short protein forms K30R.
Identifiers: ClinVar variation 2855546 (VCV002855546.3), dbSNP rs2535100506, ClinGen allele CA367049211.

ClinVar aggregate classification (germline): Uncertain significance (1 of 4 stars; one submission).

Submission:

Labcorp Genetics (formerly Invitae), Labcorp
Classification: Uncertain significance. Last evaluated: 2023-04-22. Review status: criteria provided, single submitter. Criteria: Invitae Variant Classification Sherloc (09022015). Collection method: clinical testing. Allele origin: germline.
Comment: In summary, the available evidence is currently insufficient to determine the role of this variant in disease. Therefore, it has been classified as a Variant of Uncertain Significance. Algorithms developed to predict the effect of sequence changes on RNA splicing suggest that this variant may disrupt the consensus splice site. Advanced modeling of protein sequence and biophysical properties (such as structural, functional, and spatial information, amino acid conservation, physicochemical variation, residue mobility, and thermodynamic stability) performed at Invitae indicates that this missense variant is not expected to disrupt DFNA5 protein function. This variant has not been reported in the literature in individuals affected with DFNA5-related conditions. This variant is not present in population databases (gnomAD no frequency). This sequence change replaces lysine, which is basic and polar, with arginine, which is basic and polar, at codon 30 of the DFNA5 protein (p.Lys30Arg).